The following is an entry in ClinVar:

ClinVar aggregate classification (germline): Conflicting classifications of pathogenicity. Review status: criteria provided, conflicting classifications (1 of 4 stars). 7 submissions from 7 submitters: Uncertain significance (3); Likely benign (1). 3 of the submissions do not count toward it. Last evaluated 2025-06-25.

Conditions:
MYH7-related disorder. Also called: MYH7-related disorders; MYH7-related condition; MYH7-related disease.
Cardiomyopathy (CMYO). Also called: Cardiomyopathies. Identifiers: Orphanet 167848, MedGen C0878544, MONDO:0004994, HP:0001638. Inheritance: Various modes of inheritance.
Hypertrophic cardiomyopathy. Also called: HYPERTROPHIC MYOCARDIOPATHY. Identifiers: Orphanet 217569, MedGen C0007194, MeSH D002312, MONDO:0005045, HP:0001639.

Allele frequency attached by ClinVar (database versions not stated): gnomAD exomes below 0.00001; ExAC 0.00001; gnomAD 0.00001; TOPMed 0.00002.
gnomAD v4.1: 3 of 1,612,164 alleles (0.00019%); highest among the groups gnomAD compares: Non-Finnish European, 0.00025%; no homozygotes.

Submissions (7):

Labcorp Genetics (formerly Invitae), Labcorp
Classification: Uncertain significance for Hypertrophic cardiomyopathy. Last evaluated: 2025-06-25. Review status: criteria provided, single submitter. Criteria: Invitae Variant Classification Sherloc (09022015). Collection method: clinical testing. Allele origin: germline.
Comment: This sequence change falls in intron 31 of the MYH7 gene. It does not directly change the encoded amino acid sequence of the MYH7 protein. It affects a nucleotide within the consensus splice site. This variant is present in population databases (rs765398896, gnomAD 0.0009%). This variant has not been reported in the literature in individuals affected with MYH7-related conditions. ClinVar contains an entry for this variant (Variation ID: 381483). Variants that disrupt the consensus splice site are a relatively common cause of aberrant splicing (PMID: 17576681, 9536098). Algorithms developed to predict the effect of sequence changes on RNA splicing suggest that this variant is not likely to affect RNA splicing. In summary, the available evidence is currently insufficient to determine the role of this variant in disease. Therefore, it has been classified as a Variant of Uncertain Significance.

All of Us Research Program, National Institutes of Health
Classification: Uncertain significance for Cardiomyopathy. Last evaluated: 2023-12-13. Review status: criteria provided, single submitter. Criteria: ACMG Guidelines, 2015. Collection method: clinical testing. Allele origin: germline. Inheritance: Autosomal dominant inheritance. Observed: 1 variant allele, 1 heterozygote.
Comment: This variant causes a C to T nucleotide substitution at the +6 position of intron 31 of the MYH7 gene. Splice site prediction tools and conservation analysis are inconclusive regarding the impact of this variant on RNA splicing. To our knowledge, functional studies have not been reported for this variant. This variant has not been reported in individuals affected with cardiovascular disorders in the literature. This variant has been identified in 2/282630 chromosomes in the general population by the Genome Aggregation Database (gnomAD). The available evidence is insufficient to determine the role of this variant in disease conclusively. Therefore, this variant is classified as a Variant of Uncertain Significance.

This study involves interpretation of variants in research participants for the purpose of population health screening. Participant phenotype was not available at the time of variant classification. Additional details can be found in publication PMID: 35346344, PMCID: PMC8962531

Color Diagnostics, LLC DBA Color Health
Classification: Uncertain significance for Cardiomyopathy. Last evaluated: 2023-11-15. Review status: criteria provided, single submitter. Criteria: ACMG Guidelines, 2015. Collection method: clinical testing. Allele origin: germline.
Comment: This variant causes a C to T nucleotide substitution at the +6 position of intron 31 of the MYH7 gene. Splice site prediction tools and conservation analysis are inconclusive regarding the impact of this variant on RNA splicing. To our knowledge, functional studies have not been reported for this variant. This variant has not been reported in individuals affected with cardiovascular disorders in the literature. This variant has been identified in 2/282630 chromosomes in the general population by the Genome Aggregation Database (gnomAD). The available evidence is insufficient to determine the role of this variant in disease conclusively. Therefore, this variant is classified as a Variant of Uncertain Significance.

GeneDx
Classification: Likely benign. Last evaluated: 2017-02-06. Review status: criteria provided, single submitter. Criteria: GeneDx Variant Classification (06012015). Collection method: clinical testing. Allele origin: germline. Affected: yes.
Comment: This variant is considered likely benign or benign based on one or more of the following criteria: it is a conservative change, it occurs at a poorly conserved position in the protein, it is predicted to be benign by multiple in silico algorithms, and/or has population frequency not consistent with disease.

PreventionGenetics, part of Exact Sciences
Classification: Likely benign for MYH7-related condition. Last evaluated: 2021-03-26. Review status: no assertion criteria provided. Collection method: clinical testing. Allele origin: germline. Not counted in ClinVar's aggregate classification.
Comment: This variant is classified as likely benign based on ACMG/AMP sequence variant interpretation guidelines (Richards et al. 2015 PMID: 25741868, with internal and published modifications).

Genome Diagnostics Laboratory, University Medical Center Utrecht
Classification: Likely benign. Review status: no assertion criteria provided. Collection method: clinical testing. Allele origin: germline. Affected: yes. Study: VKGL Data-share Consensus. Not counted in ClinVar's aggregate classification.

Joint Genome Diagnostic Labs from Nijmegen and Maastricht, Radboudumc and MUMC+
Classification: Likely benign. Review status: no assertion criteria provided. Collection method: clinical testing. Allele origin: germline. Affected: yes. Study: VKGL Data-share Consensus. Not counted in ClinVar's aggregate classification.

Literature cited by the submitters: PubMed 17576681 (cited by Labcorp Genetics (formerly Invitae), Labcorp); PubMed 9536098 (cited by Labcorp Genetics (formerly Invitae), Labcorp).

NM_000257.4(MYH7):c.4353+6C>T

Genes: MHRT (myosin heavy chain associated RNA transcript; plus strand), MYH7 (myosin heavy chain 7; minus strand). Cytogenetic location: 14q11.2.
Variant type: single nucleotide variant.
Coding change: c.4353+6C>T on transcript NM_000257.4 (MANE Select); 6 bases into the intron after coding-DNA position 4353, C replaced by T.
Molecular consequence: intron variant.
Genome position (GRCh38, 1-based): chr14:23,417,497, G>A on the plus strand (C>T on the coding strand, the complement: MYH7 is on the minus strand). VCF-style: chr14-23417497-G-A. GRCh37 (hg19) VCF-style: chr14-23886706-G-A.
Other names: c.4353+6C>T (LRG_384t1).
Identifiers: ClinVar variation 381483 (VCV000381483.30), dbSNP rs765398896, ClinGen allele CA041886.